The following is an entry in ClinVar:

ClinVar aggregate classification (germline): Uncertain significance (1 of 4 stars; one submission).

gnomAD v4.1: 4 of 1,609,752 alleles (0.00025%); highest among the groups gnomAD compares: South Asian, 0.0022%; no homozygotes.

Submission:

Labcorp Genetics (formerly Invitae), Labcorp
Classification: Uncertain significance. Last evaluated: 2021-11-14. Review status: criteria provided, single submitter. Criteria: Invitae Variant Classification Sherloc (09022015). Collection method: clinical testing. Allele origin: germline.
Comment: In summary, the available evidence is currently insufficient to determine the role of this variant in disease. Therefore, it has been classified as a Variant of Uncertain Significance. Algorithms developed to predict the effect of missense changes on protein structure and function output the following: SIFT: "Deleterious"; PolyPhen-2: "Benign"; Align-GVGD: "Class C0". The arginine amino acid residue is found in multiple mammalian species, which suggests that this missense change does not adversely affect protein function. This variant has not been reported in the literature in individuals affected with LTBP2-related conditions. This variant is present in population databases (rs200532538, gnomAD 0.003%). This sequence change replaces glycine, which is neutral and non-polar, with arginine, which is basic and polar, at codon 1212 of the LTBP2 protein (p.Gly1212Arg).

NM_000428.3(LTBP2):c.3634G>A (p.Gly1212Arg)

Gene: LTBP2 (latent transforming growth factor beta binding protein 2; minus strand). Cytogenetic location: 14q24.3.
Variant type: single nucleotide variant.
Coding change: c.3634G>A on transcript NM_000428.3 (MANE Select); coding-DNA position 3634, G replaced by A.
Protein change: p.Gly1212Arg; replaces glycine 1212 with arginine.
Molecular consequence: missense variant.
Genome position (GRCh38, 1-based): chr14:74,508,622, C>T on the plus strand (G>A on the coding strand, the complement: LTBP2 is on the minus strand). VCF-style: chr14-74508622-C-T. GRCh37 (hg19) VCF-style: chr14-74975325-C-T.
Other names: short protein forms G1212R.
Identifiers: ClinVar variation 1463478 (VCV001463478.6), dbSNP rs200532538, ClinGen allele CA7269096.
Genomic context (GRCh38, chr14:74,508,622, plus strand): 5'-CCATGCTCCTGGCCAGTAGAGGTAGCTGTGCTGGCTTCTCACCCTGGCAGCTGGTGCCCC[C>T]CTCTGCGCTGACGAAGCCAGGCGCGCACAGACAGAAGAAAGACCCGTGGCTGTTGAGGCA-3'
Protein context (NP_000419.1, residues 1202-1222): LCAPGFVSAE[Gly1212Arg]GTSCQDVDEC